The following is an entry in ClinVar:

ClinVar aggregate classification (germline): Pathogenic (1 of 4 stars; one submission).

Conditions:
Polycystic kidney disease, adult type (PKD1). Also called: POLYCYSTIC KIDNEY DISEASE, ADULT, TYPE I; Polycystic Kidney Disease 1, Autosomal Dominant; Polycystic kidney disease 1; Polycystic kidney disease 1, severe; Polycystic Kidney, Autosomal Dominant; POLYCYSTIC KIDNEY DISEASE 1 WITH OR WITHOUT POLYCYSTIC LIVER DISEASE. Identifiers: MedGen C3149841, MONDO:0008263, OMIM 173900.

Submission:

MVZ Medizinische Genetik Mainz
Classification: Pathogenic for Polycystic kidney disease, adult type. Last evaluated: 2026-06-11. Review status: criteria provided, single submitter. Criteria: UK Practice Guidelines For Variant Classification V4 01 2020. Collection method: clinical testing. Allele origin: germline. Inheritance: Autosomal dominant inheritance. Affected: yes. Observed: 1 variant allele.
Comment: ACMG Criteria: PVS1,PM2_SUP,PP4

NM_001009944.3(PKD1):c.9153del (p.Phe3051fs)

Gene: PKD1 (polycystin 1, transient receptor potential channel interacting; minus strand). Cytogenetic location: 16p13.3.
Variant type: Deletion.
Coding change: c.9153del on transcript NM_001009944.3 (MANE Select); coding-DNA position 9153, one base deleted (C; older notation c.9153delC).
Protein change: p.Phe3051fs; shifts the reading frame from phenylalanine 3051.
Molecular consequence: frameshift variant.
Genome position (GRCh38, 1-based): chr16:2,102,429, G deleted on the plus strand (C on the coding strand, the reverse complement: PKD1 is on the minus strand). VCF-style (leftmost placement, unchanged base first): chr16-2102428-CG-C. GRCh37 (hg19) VCF-style: chr16-2152429-CG-C.
Other names: c.9153del, p.Phe3051fs (NM_000296.4); short protein forms F3051fs.
Identifiers: ClinVar variation 4857276 (VCV004857276.1).